The following is an entry in ClinVar:

ClinVar aggregate classification (germline): Uncertain significance (1 of 4 stars; one submission).

Conditions:
RASopathy. Also called: rasopathies; Noonan spectrum disorder. Identifiers: Orphanet 536391, MedGen C5555857, MONDO:0021060.

Submission:

Labcorp Genetics (formerly Invitae), Labcorp
Classification: Uncertain significance for RASopathy. Last evaluated: 2022-03-28. Review status: criteria provided, single submitter. Criteria: Invitae Variant Classification Sherloc (09022015). Collection method: clinical testing. Allele origin: germline.
Comment: This variant has not been reported in the literature in individuals affected with SOS1-related conditions. In summary, the available evidence is currently insufficient to determine the role of this variant in disease. Therefore, it has been classified as a Variant of Uncertain Significance. Advanced modeling of protein sequence and biophysical properties (such as structural, functional, and spatial information, amino acid conservation, physicochemical variation, residue mobility, and thermodynamic stability) performed at Invitae indicates that this missense variant is not expected to disrupt SOS1 protein function. This variant is not present in population databases (gnomAD no frequency). This sequence change replaces methionine, which is neutral and non-polar, with valine, which is neutral and non-polar, at codon 1319 of the SOS1 protein (p.Met1319Val).

NM_005633.4(SOS1):c.3955A>G (p.Met1319Val)

Gene: SOS1 (SOS Ras/Rac guanine nucleotide exchange factor 1; minus strand). Cytogenetic location: 2p22.1.
Variant type: single nucleotide variant.
Coding change: c.3955A>G on transcript NM_005633.4 (MANE Select); coding-DNA position 3955, A replaced by G.
Protein change: p.Met1319Val; replaces methionine 1319 with valine.
Molecular consequence: missense variant.
Genome position (GRCh38, 1-based): chr2:38,985,871, T>C on the plus strand (A>G on the coding strand, the complement: SOS1 is on the minus strand). VCF-style: chr2-38985871-T-C. GRCh37 (hg19) VCF-style: chr2-39213012-T-C.
Other names: c.3934A>G, p.Met1312Val (NM_001382394.1); c.3910A>G, p.Met1304Val (NM_001382395.1); short protein forms M1304V, M1319V, M1312V.
Identifiers: ClinVar variation 2118716 (VCV002118716.4), dbSNP rs2528868970, ClinGen allele CA346361963.